The following is an entry in ClinVar:

ClinVar aggregate classification (germline): Benign. Review status: criteria provided, multiple submitters, no conflicts (2 of 4 stars). 3 submissions from 3 submitters: Benign (3). Last evaluated 2021-10-25.

Conditions:
Osteogenesis imperfecta type 9 (OI9). Also called: Oi type IX; OI 9; Osteogenesis imperfecta sillence type II/III without abnormality of type I collagen. Identifiers: MedGen C1850169, MONDO:0009805, OMIM 259440.

Allele frequency attached by ClinVar (database versions not stated): 1000 Genomes Project 0.82208; 1000 Genomes Project 30x 0.82464; ExAC 0.86438; gnomAD exomes 0.86948 and 0.89528; TOPMed 0.87192; gnomAD 0.87354 and 0.88009; ESP Exome Variant Server 0.87598.

Submissions (3):

Genome-Nilou Lab
Classification: Benign for Osteogenesis imperfecta type 9. Last evaluated: 2021-10-25. Review status: criteria provided, single submitter. Criteria: ACMG Guidelines, 2015. Collection method: clinical testing. Allele origin: germline. Affected: no.

GeneDx
Classification: Benign. Last evaluated: 2018-06-19. Review status: criteria provided, single submitter. Criteria: GeneDx Variant Classification (06012015). Collection method: clinical testing. Allele origin: germline. Affected: yes.
Comment: This variant is considered likely benign or benign based on one or more of the following criteria: it is a conservative change, it occurs at a poorly conserved position in the protein, it is predicted to be benign by multiple in silico algorithms, and/or has population frequency not consistent with disease.

Breakthrough Genomics
Classification: Benign. Review status: criteria provided, single submitter. Criteria: ACMG Guidelines, 2015. Collection method: not provided. Allele origin: germline. Inheritance: Autosomal recessive inheritance. Affected: yes.

NM_000942.5(PPIB):c.529-21G>A

Genes: PPIB (peptidylprolyl isomerase B; minus strand), SNX22 (sorting nexin 22; plus strand). Cytogenetic location: 15q22.31.
Variant type: single nucleotide variant.
Coding change: c.529-21G>A on transcript NM_000942.5 (MANE Select); 21 bases into the intron before coding-DNA position 529, G replaced by A.
Molecular consequence: intron variant. On other transcripts: 3 prime UTR variant (1), non-coding transcript variant (1).
Genome position (GRCh38, 1-based): chr15:64,156,166, C>T on the plus strand (G>A on the coding strand, the complement: PPIB is on the minus strand). VCF-style: chr15-64156166-C-T. GRCh37 (hg19) VCF-style: chr15-64448365-C-T.
Other names: c.*1658C>T (NM_024798.3).
Identifiers: ClinVar variation 674934 (VCV000674934.4), dbSNP rs2253557, ClinGen allele CA7608444.
Genomic context (GRCh38, chr15:64,156,166, plus strand): 5'-GGCTGTCTGTCTTGGTGCTCTCCACCTTCCGCACCACCTCCTGGAAAAGAAAGGTGGAAG[C>T]AGGAGGGCATGGTGGATCAGGAGGTCCACCGCTCAGGAGAAAGGCCCCAGCGTATGGCTC-3'